The following is an entry in ClinVar:

ClinVar aggregate classification (germline): Benign/Likely benign. Review status: criteria provided, multiple submitters, no conflicts (2 of 4 stars). 7 submissions from 7 submitters: Benign (5); Likely benign (1). 1 of the submissions does not count toward it. Last evaluated 2026-02-03.

Conditions:
Inborn genetic diseases. Identifiers: MedGen C0950123, MeSH D030342.
Intellectual developmental disorder, autosomal recessive 5. Also called: Intellectual disability, autosomal recessive 5. Identifiers: Orphanet 88616, MedGen C1970199, MONDO:0012613, OMIM 611091.

Allele frequency attached by ClinVar (database versions not stated): 1000 Genomes Project 30x 0.05497; 1000 Genomes Project 0.05511; TOPMed 0.06368; ESP Exome Variant Server 0.06589.
gnomAD v4.1: 111,135 of 1,613,656 alleles (6.9%); highest among the groups gnomAD compares: Middle Eastern, 13%; 4,124 homozygotes.

Submissions (7):

Labcorp Genetics (formerly Invitae), Labcorp
Classification: Benign. Last evaluated: 2026-02-03. Review status: criteria provided, single submitter. Criteria: Invitae Variant Classification Sherloc (09022015). Collection method: clinical testing. Allele origin: germline.

Blueprint Genetics
Classification: Likely benign. Last evaluated: 2024-11-26. Review status: criteria provided, single submitter. Criteria: ACMG Guidelines, 2015. Collection method: clinical testing. Allele origin: germline.

GeneDx
Classification: Benign. Last evaluated: 2018-10-22. Review status: criteria provided, single submitter. Criteria: GeneDx Variant Classification Process June 2021. Collection method: clinical testing. Allele origin: germline. Affected: yes.

Illumina Laboratory Services, Illumina
Classification: Benign for Intellectual developmental disorder, autosomal recessive 5. Last evaluated: 2018-01-13. Review status: criteria provided, single submitter. Criteria: ICSL Variant Classification Criteria 13 December 2019. Collection method: clinical testing. Allele origin: germline.
Comment: This variant was observed in the ICSL laboratory as part of a predisposition screen in an ostensibly healthy population. It had not been previously curated by ICSL or reported in the Human Gene Mutation Database (HGMD: prior to June 1st, 2018), and was therefore a candidate for classification through an automated scoring system. Utilizing variant allele frequency, disease prevalence and penetrance estimates, and inheritance mode, an automated score was calculated to assess if this variant is too frequent to cause the disease. Based on the score and internal cut-off values, a variant classified as benign is not then subjected to further curation. The score for this variant resulted in a classification of benign for this disease.

Ambry Genetics
Classification: Benign for Inborn genetic diseases. Last evaluated: 2016-03-16. Review status: criteria provided, single submitter. Criteria: Ambry Variant Classification Scheme 2023. Collection method: clinical testing. Allele origin: germline.

Breakthrough Genomics
Classification: Benign. Review status: criteria provided, single submitter. Criteria: ACMG Guidelines, 2015. Collection method: not provided. Allele origin: germline. Inheritance: Autosomal recessive inheritance. Affected: yes.

Genetic Services Laboratory, University of Chicago
Classification: Likely benign for AllHighlyPenetrant. Review status: no assertion criteria provided. Collection method: clinical testing. Allele origin: germline. Inheritance: Autosomal recessive inheritance. Not counted in ClinVar's aggregate classification.
Comment: Likely benign based on allele frequency in 1000 Genomes Project or ESP global frequency and its presence in a patient with a rare or unrelated disease phenotype. NOT Sanger confirmed.

NM_017755.6(NSUN2):c.2279C>A (p.Pro760Gln)

Gene: NSUN2 (NOP2/Sun RNA methyltransferase 2; minus strand). Cytogenetic location: 5p15.31.
Variant type: single nucleotide variant.
Coding change: c.2279C>A on transcript NM_017755.6 (MANE Select); coding-DNA position 2279, C replaced by A.
Protein change: p.Pro760Gln; replaces proline 760 with glutamine.
Molecular consequence: missense variant. On other transcripts: non-coding transcript variant (1).
Genome position (GRCh38, 1-based): chr5:6,599,951, G>T on the plus strand (C>A on the coding strand, the complement: NSUN2 is on the minus strand). VCF-style: chr5-6599951-G-T. GRCh37 (hg19) VCF-style: chr5-6600064-G-T.
Other names: c.2174C>A, p.Pro725Gln (NM_001193455.2); short protein forms P760Q, P725Q.
Identifiers: ClinVar variation 129841 (VCV000129841.25), dbSNP rs61744358, ClinGen allele CA154170.